The following is an entry in ClinVar:

ClinVar aggregate classification (germline): Uncertain significance (1 of 4 stars; one submission).

Submission:

Labcorp Genetics (formerly Invitae), Labcorp
Classification: Uncertain significance. Last evaluated: 2024-07-03. Review status: criteria provided, single submitter. Criteria: Invitae Variant Classification Sherloc (09022015). Collection method: clinical testing. Allele origin: germline.
Comment: This sequence change replaces glycine, which is neutral and non-polar, with alanine, which is neutral and non-polar, at codon 107 of the DNAH9 protein (p.Gly107Ala). This variant is not present in population databases (gnomAD no frequency). This variant has not been reported in the literature in individuals affected with DNAH9-related conditions. An algorithm developed to predict the effect of missense changes on protein structure and function (PolyPhen-2) suggests that this variant is likely to be tolerated. In summary, the available evidence is currently insufficient to determine the role of this variant in disease. Therefore, it has been classified as a Variant of Uncertain Significance.

NM_001372.4(DNAH9):c.320G>C (p.Gly107Ala)

Gene: DNAH9 (dynein axonemal heavy chain 9; plus strand). Cytogenetic location: 17p12.
Variant type: single nucleotide variant.
Coding change: c.320G>C on transcript NM_001372.4 (MANE Select); coding-DNA position 320, G replaced by C.
Protein change: p.Gly107Ala; replaces glycine 107 with alanine.
Molecular consequence: missense variant.
Genome position (GRCh38, 1-based): chr17:11,598,818, G>C. VCF-style: chr17-11598818-G-C. GRCh37 (hg19) VCF-style: chr17-11502135-G-C.
Other names: short protein forms G107A.
Identifiers: ClinVar variation 3658679 (VCV003658679.2).